The following is an entry in ClinVar:

ClinVar aggregate classification (germline): Uncertain significance (1 of 4 stars; one submission).

Conditions:
Cardiovascular phenotype. Identifiers: MedGen CN230736.

Submission:

Ambry Genetics
Classification: Uncertain significance for Cardiovascular phenotype. Last evaluated: 2024-10-28. Review status: criteria provided, single submitter. Criteria: Ambry Variant Classification Scheme 2023. Collection method: clinical testing. Allele origin: germline.
Comment: The p.L1826R variant (also known as c.5477T>G), located in coding exon 14 of the TNXB gene, results from a T to G substitution at nucleotide position 5477. The leucine at codon 1826 is replaced by arginine, an amino acid with dissimilar properties. This amino acid position is conserved. In addition, this alteration is predicted to be tolerated by in silico analysis. Based on the available evidence, the clinical significance of this variant remains unclear.

NM_001365276.2(TNXB):c.5477T>G (p.Leu1826Arg)

Gene: TNXB (tenascin XB; minus strand). Cytogenetic location: 6p21.33.
Variant type: single nucleotide variant.
Coding change: c.5477T>G on transcript NM_001365276.2 (MANE Select); coding-DNA position 5477, T replaced by G.
Protein change: p.Leu1826Arg; replaces leucine 1826 with arginine.
Molecular consequence: missense variant.
Genome position (GRCh38, 1-based): chr6:32,069,663, A>C on the plus strand (T>G on the coding strand, the complement: TNXB is on the minus strand). VCF-style: chr6-32069663-A-C. GRCh37 (hg19) VCF-style: chr6-32037440-A-C.
Other names: c.6218T>G, p.Leu2073Arg (NM_001428335.1); c.5477T>G, p.Leu1826Arg (NM_019105.8); short protein forms L2073R, L1826R.
Identifiers: ClinVar variation 3459890 (VCV003459890.1).